The following is an entry in ClinVar:

NM_000338.3(SLC12A1):c.1043C>T (p.Pro348Leu)

Gene: SLC12A1 (solute carrier family 12 member 1; plus strand). Cytogenetic location: 15q21.1.
Variant type: single nucleotide variant.
Coding change: c.1043C>T on transcript NM_000338.3 (MANE Select); coding-DNA position 1043, C replaced by T.
Protein change: p.Pro348Leu; replaces proline 348 with leucine.
Molecular consequence: missense variant.
Genome position (GRCh38, 1-based): chr15:48,232,794, C>T. VCF-style: chr15-48232794-C-T. GRCh37 (hg19) VCF-style: chr15-48524991-C-T.
Other names: c.1043C>T, p.Pro348Leu (NM_001184832.2, NM_001384136.1); short protein forms P348L.
Identifiers: ClinVar variation 3351884 (VCV003351884.2).

ClinVar aggregate classification (germline): Uncertain significance. Review status: criteria provided, single submitter (1 of 4 stars). 2 submissions from 2 submitters: Uncertain significance (1). 1 of the submissions does not count toward it. Last evaluated 2024-01-02.

Conditions:
SLC12A1-related disorder. Also called: SLC12A1-related condition.
Bartter disease type 1. Also called: Bartter syndrome, type 1, antenatal; Bartter Syndrome type 1; HYPERPROSTAGLANDIN E SYNDROME 1; HYPOKALEMIC ALKALOSIS WITH HYPERCALCIURIA 1, ANTENATAL. Identifiers: Orphanet 112, Orphanet 620217, MedGen C1866495, MONDO:0100344, OMIM 601678, MONDO:0011127.

Submissions (2):

Fulgent Genetics
Classification: Uncertain significance for Bartter disease type 1. Last evaluated: 2024-01-02. Review status: criteria provided, single submitter. Criteria: ACMG Guidelines, 2015. Collection method: clinical testing. Allele origin: germline.

PreventionGenetics, part of Exact Sciences
Classification: Uncertain significance for SLC12A1-related condition. Last evaluated: 2024-09-11. Review status: no assertion criteria provided. Collection method: clinical testing. Allele origin: germline. Not counted in ClinVar's aggregate classification.
Comment: The SLC12A1 c.1043C>T variant is predicted to result in the amino acid substitution p.Pro348Leu. This variant was reported in an individual with reduced blood pressure; however, it has not been reported in patients with Bartter syndrome (Ji et al 2008. PubMed ID: 18391953). Functional studies indicate this variant has 94% of wild type activity (Reported as P344L in Acuña R et al 2011. PubMed ID: 21157372). This variant is reported in 0.0070% of alleles in individuals of European (non-Finnish) descent in gnomAD. At this time, the clinical significance of this variant is uncertain due to the absence of conclusive functional and genetic evidence.